The following is an entry in ClinVar:

NM_000038.6(APC):c.1678A>G (p.Lys560Glu)

Gene: APC (APC regulator of Wnt signaling pathway; plus strand). Cytogenetic location: 5q22.2.
Variant type: single nucleotide variant.
Coding change: c.1678A>G on transcript NM_000038.6 (MANE Select); coding-DNA position 1678, A replaced by G.
Protein change: p.Lys560Glu; replaces lysine 560 with glutamic acid.
Molecular consequence: missense variant.
Genome position (GRCh38, 1-based): chr5:112,828,907, A>G. VCF-style: chr5-112828907-A-G. GRCh37 (hg19) VCF-style: chr5-112164604-A-G.
Other names: c.1678A>G, p.Lys560Glu (NM_001127510.3, NM_001354895.2, NM_001407450.1); c.1624A>G, p.Lys542Glu (NM_001127511.3); c.1732A>G, p.Lys578Glu (NM_001354896.2, NM_001407447.1, NM_001407448.1 and 1 more transcripts); c.1708A>G, p.Lys570Glu (NM_001354897.2); c.1603A>G, p.Lys535Glu (NM_001354898.2); c.1594A>G, p.Lys532Glu (NM_001354899.2); c.1555A>G, p.Lys519Glu (NM_001354900.2); c.1501A>G, p.Lys501Glu (NM_001354901.2, NM_001407453.1); and 11 more; short protein forms K176E, K277E, K400E, K431E, K434E, K459E, K469E, K477E.
Identifiers: ClinVar variation 3894394 (VCV003894394.1).
Genomic context (GRCh38, chr5:112,828,907, plus strand): 5'-AATTTGCAGGTTATTGCGAGTGTTTTGAGGAATTTGTCTTGGCGAGCAGATGTAAATAGT[A>G]AAAAGACGTTGCGAGAAGTTGGAAGTGTGAAAGCATTGATGGAATGTGCTTTAGAAGTTA-3'
Protein context (NP_000029.2, residues 550-570): NLSWRADVNS[Lys560Glu]KTLREVGSVK

ClinVar aggregate classification (germline): Uncertain significance (1 of 4 stars; one submission).

Conditions:
Hereditary cancer-predisposing syndrome. Also called: Neoplastic Syndromes, Hereditary; Tumor predisposition; Hereditary Cancer Syndrome; Hereditary neoplastic syndrome. Identifiers: Orphanet 140162, MedGen C0027672, MeSH D009386, MONDO:0015356.

Submission:

Color Diagnostics, LLC DBA Color Health
Classification: Uncertain significance for Hereditary cancer-predisposing syndrome. Last evaluated: 2024-09-09. Review status: criteria provided, single submitter. Criteria: ACMG Guidelines, 2015. Collection method: clinical testing. Allele origin: germline.
Comment: This missense variant replaces lysine with glutamic acid at codon 560 of the APC protein. Computational prediction is inconclusive regarding the impact of this variant on protein structure and function (internally defined REVEL score threshold 0.5 < inconclusive < 0.7, PMID: 27666373). To our knowledge, functional studies have not been reported for this variant. This variant has not been reported in individuals affected with APC-related disorders in the literature. This variant has not been identified in the general population by the Genome Aggregation Database (gnomAD). The available evidence is insufficient to determine the role of this variant in disease conclusively. Therefore, this variant is classified as a Variant of Uncertain Significance.